The following is an entry in ClinVar:

ClinVar aggregate classification (germline): Uncertain significance (1 of 4 stars; one submission).

Conditions:
Hereditary cancer-predisposing syndrome. Also called: Neoplastic Syndromes, Hereditary; Tumor predisposition; Hereditary neoplastic syndrome; Hereditary Cancer Syndrome. Identifiers: Orphanet 140162, MedGen C0027672, MeSH D009386, MONDO:0015356.

Allele frequency attached by ClinVar (database versions not stated): gnomAD exomes below 0.00001.
gnomAD v4.1: 1 of 1,614,188 alleles (0.000062%); highest among the groups gnomAD compares: Non-Finnish European, 0.000085%; no homozygotes.

Submission:

Ambry Genetics
Classification: Uncertain significance for Hereditary cancer-predisposing syndrome. Last evaluated: 2025-09-25. Review status: criteria provided, single submitter. Criteria: Ambry Variant Classification Scheme 2023. Collection method: clinical testing. Allele origin: germline.
Comment: The p.R1676S variant (also known as c.5028A>C), located in coding exon 22 of the DICER1 gene, results from an A to C substitution at nucleotide position 5028. The arginine at codon 1676 is replaced by serine, an amino acid with dissimilar properties. This amino acid position is not well conserved in available vertebrate species. In addition, this alteration is predicted to be tolerated by in silico analysis. Based on the available evidence, the clinical significance of this variant remains unclear.

NM_177438.3(DICER1):c.5028A>C (p.Arg1676Ser)

Gene: DICER1 (dicer 1, ribonuclease III; minus strand). Cytogenetic location: 14q32.13.
Variant type: single nucleotide variant.
Coding change: c.5028A>C on transcript NM_177438.3 (MANE Select); coding-DNA position 5028, A replaced by C.
Protein change: p.Arg1676Ser; replaces arginine 1676 with serine.
Molecular consequence: missense variant.
Genome position (GRCh38, 1-based): chr14:95,095,892, T>G on the plus strand (A>C on the coding strand, the complement: DICER1 is on the minus strand). VCF-style: chr14-95095892-T-G. GRCh37 (hg19) VCF-style: chr14-95562229-T-G.
Other names: c.5028A>C, p.Arg1676Ser (NM_001195573.1, NM_001271282.3, NM_001291628.2 and 1 more transcripts); short protein forms R1676S.
Identifiers: ClinVar variation 825384 (VCV000825384.5), dbSNP rs1555367513, ClinGen allele CA390866063.
Genomic context (GRCh38, chr14:95,095,892, plus strand): 5'-AGTATTGTAGTGGTAGGAGGCATGTGTAAAAGCCTGGAGAAGGTAAGCCTTATTCTTGAA[T>G]CTGTAGTTGATTTTCTTTTCAAAATTTTCAAACCCCGATATAAGGTGATTCAGTGTTTTA-3'
Protein context (NP_803187.1, residues 1666-1686): FENFEKKINY[Arg1676Ser]FKNKAYLLQA